The following is an entry in ClinVar:

ClinVar aggregate classification (germline): Uncertain significance. Review status: criteria provided, multiple submitters, no conflicts (2 of 4 stars). 2 submissions from 2 submitters: Uncertain significance (2). Last evaluated 2025-06-26.

Conditions:
Hereditary cancer-predisposing syndrome. Also called: Tumor predisposition; Hereditary neoplastic syndrome; Hereditary Cancer Syndrome; Neoplastic Syndromes, Hereditary. Identifiers: Orphanet 140162, MedGen C0027672, MeSH D009386, MONDO:0015356.

Submissions (2):

Ambry Genetics
Classification: Uncertain significance for Hereditary cancer-predisposing syndrome. Last evaluated: 2025-06-26. Review status: criteria provided, single submitter. Criteria: Ambry Variant Classification Scheme 2023. Collection method: clinical testing. Allele origin: germline.
Comment: The p.A2G variant (also known as c.5C>G), located in coding exon 1 of the APC gene, results from a C to G substitution at nucleotide position 5. The alanine at codon 2 is replaced by glycine, an amino acid with similar properties. This amino acid position is highly conserved in available vertebrate species. In addition, in silico predictors for this gene do not accurately predict pathogenicity. Missense alterations in APC are not a common cause of disease (Spier I et al. Genet Med. 2024 Feb;26(2):100992). Based on the available evidence, the clinical significance of this variant remains unclear.

Color Diagnostics, LLC DBA Color Health
Classification: Uncertain significance for Hereditary cancer-predisposing syndrome. Last evaluated: 2024-03-06. Review status: criteria provided, single submitter. Criteria: ACMG Guidelines, 2015. Collection method: clinical testing. Allele origin: germline.
Comment: This missense variant replaces alanine with glycine at codon 2 of the APC protein. Computational prediction suggests that this variant may not impact protein structure and function (internally defined REVEL score threshold <= 0.5, PMID: 27666373). To our knowledge, functional studies have not been reported for this variant. This variant has not been reported in individuals affected with hereditary cancer in the literature. This variant has not been identified in the general population by the Genome Aggregation Database (gnomAD). The available evidence is insufficient to determine the role of this variant in disease conclusively. Therefore, this variant is classified as a Variant of Uncertain Significance.

NM_000038.6(APC):c.5C>G (p.Ala2Gly)

Gene: APC (APC regulator of Wnt signaling pathway; plus strand). Cytogenetic location: 5q22.2.
Variant type: single nucleotide variant.
Coding change: c.5C>G on transcript NM_000038.6 (MANE Select); coding-DNA position 5, C replaced by G.
Protein change: p.Ala2Gly; replaces alanine 2 with glycine.
Molecular consequence: missense variant. On other transcripts: 5 prime UTR variant (1), intron variant (8).
Genome position (GRCh38, 1-based): chr5:112,754,895, C>G. VCF-style: chr5-112754895-C-G. GRCh37 (hg19) VCF-style: chr5-112090592-C-G.
Other names: c.5C>G, p.Ala2Gly (NM_001127510.3, NM_001354895.2, NM_001354896.2 and 2 more transcripts); c.-1031C>G (NM_001354906.2); c.166-11431C>G (NM_001354897.2, NM_001354902.2, NM_001127511.3); c.61-11431C>G (NM_001354898.2, NM_001354904.2); c.-42-11431C>G (NM_001354900.2, NM_001354901.2, NM_001354905.2); short protein forms A2G.
Identifiers: ClinVar variation 1171793 (VCV001171793.4), dbSNP rs2149737216, ClinGen allele CA16021347.